The following is an entry in ClinVar:

NM_002738.7(PRKCB):c.585C>T (p.Tyr195=)

Gene: PRKCB (protein kinase C beta; plus strand). Cytogenetic location: 16p12.2.
Variant type: single nucleotide variant.
Coding change: c.585C>T on transcript NM_002738.7 (MANE Select); coding-DNA position 585, C replaced by T.
Protein change: p.Tyr195=; no amino-acid change (tyrosine 195 retained).
Molecular consequence: synonymous variant.
Genome position (GRCh38, 1-based): chr16:24,092,846, C>T. VCF-style: chr16-24092846-C-T. GRCh37 (hg19) VCF-style: chr16-24104167-C-T.
Other names: c.585C>T, p.Tyr195= (NM_212535.3).
Identifiers: ClinVar variation 4873703 (VCV004873703.2).

ClinVar aggregate classification (germline): Likely benign (1 of 4 stars; one submission).

gnomAD v4.1: 17 of 1,614,042 alleles (0.0011%); highest among the groups gnomAD compares: South Asian, 0.0033%; no homozygotes.

Submission:

CeGaT Center for Human Genetics Tuebingen
Classification: Likely benign. Last evaluated: 2026-04-01. Review status: criteria provided, single submitter. Criteria: CeGaT Center For Human Genetics Tuebingen Variant Classification Criteria Version 2. Collection method: clinical testing. Allele origin: germline. Affected: yes. Observed: 1 variant allele.
Comment: PRKCB: BP4, BP7